The following is an entry in ClinVar:

ClinVar aggregate classification (germline): Uncertain significance (1 of 4 stars; one submission).

Allele frequency attached by ClinVar (database versions not stated): TOPMed below 0.00001.

Submission:

Labcorp Genetics (formerly Invitae), Labcorp
Classification: Uncertain significance. Last evaluated: 2025-03-03. Review status: criteria provided, single submitter. Criteria: Invitae Variant Classification Sherloc (09022015). Collection method: clinical testing. Allele origin: germline.
Comment: This sequence change replaces leucine, which is neutral and non-polar, with valine, which is neutral and non-polar, at codon 7 of the YWHAG protein (p.Leu7Val). This variant is not present in population databases (gnomAD no frequency). This variant has not been reported in the literature in individuals affected with YWHAG-related conditions. ClinVar contains an entry for this variant (Variation ID: 1388609). Invitae Evidence Modeling of protein sequence and biophysical properties (such as structural, functional, and spatial information, amino acid conservation, physicochemical variation, residue mobility, and thermodynamic stability) indicates that this missense variant is not expected to disrupt YWHAG protein function with a negative predictive value of 80%. In summary, the available evidence is currently insufficient to determine the role of this variant in disease. Therefore, it has been classified as a Variant of Uncertain Significance.

NM_012479.4(YWHAG):c.19C>G (p.Leu7Val)

Gene: YWHAG (tyrosine 3-monooxygenase/tryptophan 5-monooxygenase activation protein gamma; minus strand). Cytogenetic location: 7q11.23.
Variant type: single nucleotide variant.
Coding change: c.19C>G on transcript NM_012479.4 (MANE Select); coding-DNA position 19, C replaced by G.
Protein change: p.Leu7Val; replaces leucine 7 with valine.
Molecular consequence: missense variant.
Genome position (GRCh38, 1-based): chr7:76,358,790, G>C on the plus strand (C>G on the coding strand, the complement: YWHAG is on the minus strand). VCF-style: chr7-76358790-G-C. GRCh37 (hg19) VCF-style: chr7-75988107-G-C.
Other names: short protein forms L7V.
Identifiers: ClinVar variation 1388609 (VCV001388609.8), dbSNP rs1804004771, ClinGen allele CA367758427.